The following is an entry in ClinVar:

ClinVar aggregate classification (germline): Uncertain significance (1 of 4 stars; one submission).

Conditions:
RASopathy. Also called: Noonan spectrum disorder; rasopathies. Identifiers: Orphanet 536391, MedGen C5555857, MONDO:0021060.

Submission:

Labcorp Genetics (formerly Invitae), Labcorp
Classification: Uncertain significance for RASopathy. Last evaluated: 2024-02-25. Review status: criteria provided, single submitter. Criteria: Invitae Variant Classification Sherloc (09022015). Collection method: clinical testing. Allele origin: germline.
Comment: This sequence change replaces proline, which is neutral and non-polar, with leucine, which is neutral and non-polar, at codon 166 of the MAP2K2 protein (p.Pro166Leu). This variant is not present in population databases (gnomAD no frequency). This variant has not been reported in the literature in individuals affected with MAP2K2-related conditions. Advanced modeling of protein sequence and biophysical properties (such as structural, functional, and spatial information, amino acid conservation, physicochemical variation, residue mobility, and thermodynamic stability) performed at Invitae indicates that this missense variant is expected to disrupt MAP2K2 protein function with a positive predictive value of 95%. In summary, the available evidence is currently insufficient to determine the role of this variant in disease. Therefore, it has been classified as a Variant of Uncertain Significance.

NM_030662.4(MAP2K2):c.497C>T (p.Pro166Leu)

Gene: MAP2K2 (mitogen-activated protein kinase kinase 2; minus strand). Cytogenetic location: 19p13.3.
Variant type: single nucleotide variant.
Coding change: c.497C>T on transcript NM_030662.4 (MANE Select); coding-DNA position 497, C replaced by T.
Protein change: p.Pro166Leu; replaces proline 166 with leucine.
Molecular consequence: missense variant.
Genome position (GRCh38, 1-based): chr19:4,102,407, G>A on the plus strand (C>T on the coding strand, the complement: MAP2K2 is on the minus strand). VCF-style: chr19-4102407-G-A. GRCh37 (hg19) VCF-style: chr19-4102405-G-A.
Other names: short protein forms P166L.
Identifiers: ClinVar variation 3636801 (VCV003636801.2).